The following is an entry in ClinVar:

ClinVar aggregate classification (germline): Conflicting classifications of pathogenicity. Review status: criteria provided, conflicting classifications (1 of 4 stars). 5 submissions from 5 submitters: Uncertain significance (3); Likely benign (2). Last evaluated 2026-01-14.

Conditions:
Niemann-Pick disease, type C1. Also called: NIEMANN-PICK DISEASE, VARIANT TYPE C1; NEUROVISCERAL STORAGE DISEASE WITH VERTICAL SUPRANUCLEAR OPHTHALMOPLEGIA; NIEMANN-PICK DISEASE WITH CHOLESTEROL ESTERIFICATION BLOCK; NIEMANN-PICK DISEASE WITHOUT SPHINGOMYELINASE DEFICIENCY; NIEMANN-PICK DISEASE, CHRONIC NEURONOPATHIC FORM. Identifiers: Orphanet 646, MedGen C3179455, MONDO:0009757, OMIM 257220.
NPC1-related disorder. Also called: NPC1-related condition.

Allele frequency attached by ClinVar (database versions not stated): ExAC 0.00012; 1000 Genomes Project 30x 0.00016; 1000 Genomes Project 0.00020; gnomAD 0.00001 and 0.00003; gnomAD exomes 0.00003 and 0.00008; TOPMed 0.00005.
gnomAD v4.1: 51 of 1,614,206 alleles (0.0032%); highest among the groups gnomAD compares: East Asian, 0.047%; no homozygotes.

Submissions (5):

3billion
Classification: Uncertain significance for NPC1-related disorder. Last evaluated: 2026-01-14. Review status: criteria provided, single submitter. Criteria: ACMG Guidelines, 2015. Collection method: clinical testing. Allele origin: germline. Affected: yes.
Comment: The variant is observed at an extremely low frequency in the gnomAD v4.1.0 dataset (total allele frequency: 0.003%). Predicted Consequence/Location: Synonymous variant In silico tools predict the variant to alter splicing and produce an abnormal transcript [SpliceAI: 0.14 (spliceogenicity >=0.2, non-spliceogenicity <0.1)]. The variant has been reported as of uncertain significance (ClinVar ID: VCV000326263). Therefore, this variant is classified as VUS according to the recommendation of ACMG/AMP guideline.

Labcorp Genetics (formerly Invitae), Labcorp
Classification: Likely benign for Niemann-Pick disease, type C1. Last evaluated: 2025-11-19. Review status: criteria provided, single submitter. Criteria: Invitae Variant Classification Sherloc (09022015). Collection method: clinical testing. Allele origin: germline.

Blueprint Genetics
Classification: Likely benign. Last evaluated: 2024-04-29. Review status: criteria provided, single submitter. Criteria: ACMG Guidelines, 2015. Collection method: clinical testing. Allele origin: germline.

Illumina Laboratory Services, Illumina
Classification: Uncertain significance for Niemann-Pick disease type C1. Last evaluated: 2018-01-13. Review status: criteria provided, single submitter. Criteria: ICSL Variant Classification Criteria 13 December 2019. Collection method: clinical testing. Allele origin: germline.

Eurofins Ntd Llc (ga)
Classification: Uncertain significance. Last evaluated: 2017-01-23. Review status: criteria provided, single submitter. Criteria: EGL Classification Definitions 2015. Collection method: clinical testing. Allele origin: germline. Observed: 2 variant alleles, 2 heterozygotes.

NM_000271.5(NPC1):c.2304C>T (p.Val768=)

Gene: NPC1 (NPC intracellular cholesterol transporter 1; minus strand). Cytogenetic location: 18q11.2.
Variant type: single nucleotide variant.
Coding change: c.2304C>T on transcript NM_000271.5 (MANE Select); coding-DNA position 2304, C replaced by T.
Protein change: p.Val768=; no amino-acid change (valine 768 retained).
Molecular consequence: synonymous variant.
Genome position (GRCh38, 1-based): chr18:23,541,375, G>A on the plus strand (C>T on the coding strand, the complement: NPC1 is on the minus strand). VCF-style: chr18-23541375-G-A. GRCh37 (hg19) VCF-style: chr18-21121339-G-A.
Identifiers: ClinVar variation 326263 (VCV000326263.20), dbSNP rs183935795, ClinGen allele CA8913148.